The following is an entry in ClinVar:

ClinVar aggregate classification (germline): Uncertain significance (1 of 4 stars; one submission).

gnomAD v4.1: 1 of 1,613,958 alleles (0.000062%); highest among the groups gnomAD compares: Non-Finnish European, 0.000085%; no homozygotes.

Submission:

CeGaT Center for Human Genetics Tuebingen
Classification: Uncertain significance. Last evaluated: 2026-09-01. Review status: criteria provided, single submitter. Criteria: CeGaT Center For Human Genetics Tuebingen Variant Classification Criteria Version 2. Collection method: clinical testing. Allele origin: germline. Affected: yes. Observed: 1 variant allele.
Comment: MYL2: PM2

NM_000432.4(MYL2):c.467T>C (p.Val156Ala)

Gene: MYL2 (myosin light chain 2; minus strand). Cytogenetic location: 12q24.11.
Variant type: single nucleotide variant.
Coding change: c.467T>C on transcript NM_000432.4 (MANE Select); coding-DNA position 467, T replaced by C.
Protein change: p.Val156Ala; replaces valine 156 with alanine.
Molecular consequence: missense variant.
Genome position (GRCh38, 1-based): chr12:110,911,111, A>G on the plus strand (T>C on the coding strand, the complement: MYL2 is on the minus strand). VCF-style: chr12-110911111-A-G. GRCh37 (hg19) VCF-style: chr12-111348915-A-G.
Other names: c.425T>C, p.Val142Ala (NM_001406745.1); c.410T>C, p.Val137Ala (NM_001406916.1); short protein forms V137A, V142A, V156A.
Identifiers: ClinVar variation 5040680 (VCV005040680.1).
Genomic context (GRCh38, chr12:110,911,111, plus strand): 5'-CCCAGGGCGCAGCAGCGAGCCCCCTCCTAGTCCTTCTCTTCTCCGTGGGTGATGATGTGC[A>G]CCAGGTTCTTGTAGTCCAAGTTGCCAGTCACGTCAGGGGGGAAGGCGGCGAACATCTGGT-3'
Protein context (NP_000423.2, residues 146-166): VTGNLDYKNL[Val156Ala]HIITHGEEKD